The following is an entry in ClinVar:

NM_000094.4(COL7A1):c.325_326insCG (p.Glu109fs)

Gene: COL7A1 (collagen type VII alpha 1 chain; minus strand). Cytogenetic location: 3p21.31.
Variant type: Insertion.
Coding change: c.325_326insCG on transcript NM_000094.4 (MANE Select); coding-DNA positions 325 to 326, CG inserted.
Protein change: p.Glu109fs; shifts the reading frame from glutamic acid 109.
Molecular consequence: frameshift variant.
Genome position: GRCh38 VCF-style: chr3-48593637-T-TCG. GRCh37 (hg19) VCF-style: chr3-48631070-T-TCG.
Other names: c.325_326insCG (NM_000094.3); short protein forms E109fs.
Identifiers: ClinVar variation 1047970 (VCV001047970.29), dbSNP rs1235811820, ClinGen allele CA907759867.

ClinVar aggregate classification (germline): Pathogenic. Review status: criteria provided, multiple submitters, no conflicts (2 of 4 stars). 8 submissions from 8 submitters: Pathogenic (8). Last evaluated 2025-09-23.

Conditions:
Transient bullous dermolysis of the newborn (TBDN). Also called: DYSTROPHIC EPIDERMOLYSIS BULLOSA, NEONATAL; EPIDERMOLYSIS BULLOSA DYSTROPHICA, NEONATAL FORM. Identifiers: Orphanet 79411, MedGen C1851573, MONDO:0007548, OMIM 131705.
Recessive dystrophic epidermolysis bullosa (RDEB). Also called: severe generalized recessive dystrophic epidermolysis bullosa; EPIDERMOLYSIS BULLOSA DYSTROPHICA, GENERALIZED SEVERE, AUTOSOMAL RECESSIVE; Epidermolysis Bullosa Distrophica Autosomal Recessive (RDEB); DYSTROPHIC EPIDERMOLYSIS BULLOSA, AUTOSOMAL RECESSIVE; EPIDERMOLYSIS BULLOSA DYSTROPHICA, HALLOPEAU-SIEMENS TYPE; epidermolysis bullosa dystrophica, autosomal recessive. Identifiers: Orphanet 79408, Orphanet 79409, MedGen C0079474, MONDO:0009179, OMIM 226600.
Generalized dominant dystrophic epidermolysis bullosa (DDEB). Also called: DDEB, generalized; DDEB-gen; DYSTROPHIC EPIDERMOLYSIS BULLOSA, AUTOSOMAL DOMINANT; Epidermolysis bullosa dystrophica, autosomal dominant; Dominant DEB (DDEB). Identifiers: Orphanet 231568, MedGen C0432322, MONDO:0007549, OMIM 131750.
Epidermolysis bullosa dystrophica. Also called: Dystrophic epidermolysis bullosa, Hallopeau-Siemens type (formerly); Dystrophic epidermolysis bullosa. Identifiers: Orphanet 303, MedGen C0079294, MONDO:0006543.

Submissions (8):

Natera, Inc.
Classification: Pathogenic for Dystrophic epidermolysis bullosa. Last evaluated: 2025-09-23. Review status: criteria provided, single submitter. Criteria: Natera Variant Classification Schema (03/2026). Collection method: clinical testing. Allele origin: germline.
Comment: The c.325_326insCG variant in COL7A1 is a frameshift variant predicted to shift the reading frame beginning at codon 109 and leads to a stop codon 39 codons downstream. This variant is expected to result in nonsense mediated decay, truncation, or a dysfunctional protein product. This variant is rare in the general population with a frequency below the threshold expected for the associated phenotype(s). This variant has been observed in one or more individuals affected with the associated recessive disease, as either homozygous or compound heterozygous with a second variant (PMID: 38378365, 9326325). Given the available evidence, this variant is classified as Pathogenic.

Myriad Genetics, Inc.
Classification: Pathogenic for Recessive dystrophic epidermolysis bullosa. Last evaluated: 2024-10-04. Review status: criteria provided, single submitter. Criteria: Myriad Autosomal Dominant, Autosomal Recessive and X-Linked Classification Criteria (2023). Collection method: clinical testing. Allele origin: unknown.
Comment: NM_000094.3(COL7A1):c.325_326insCG(E109Afs*39) is expected to be pathogenic in the context of dystrophic epidermolysis bullosa. This variant is predicted to lead to an abnormal or absent protein product due to the creation of a premature termination codon in COL7A1, a gene where loss-of-function variants are known to be pathogenic. Please note: this variant was assessed in the context of healthy population screening.

3billion
Classification: Pathogenic for Recessive dystrophic epidermolysis bullosa. Last evaluated: 2024-08-17. Review status: criteria provided, single submitter. Criteria: ACMG Guidelines, 2015. Collection method: clinical testing. Allele origin: germline. Affected: yes.
Comment: The variant is not observed in the gnomAD v4.0.0 dataset. Predicted Consequence/Location: Frameshift: predicted to result in a loss or disruption of normal protein function through nonsense-mediated decay (NMD) or protein truncation. Multiple pathogenic variants are reported downstream of the variant. The variant has been reported at least twice as pathogenic without evidence for the classification (ClinVar ID: VCV001047970 /PMID: 9326325). Therefore, this variant is classified as Pathogenic according to the recommendation of ACMG/AMP guideline.

Labcorp Genetics (formerly Invitae), Labcorp
Classification: Pathogenic. Last evaluated: 2023-07-16. Review status: criteria provided, single submitter. Criteria: Invitae Variant Classification Sherloc (09022015). Collection method: clinical testing. Allele origin: germline.
Comment: For these reasons, this variant has been classified as Pathogenic. Algorithms developed to predict the effect of sequence changes on RNA splicing suggest that this variant may disrupt the consensus splice site. ClinVar contains an entry for this variant (Variation ID: 1047970). This variant is also known as 325insCG. This premature translational stop signal has been observed in individuals with dystrophic epidermolysis bullosa (PMID: 9326325, 22209565, 31001817, 35979658). This variant is not present in population databases (gnomAD no frequency). This sequence change creates a premature translational stop signal (p.Glu109Alafs*39) in the COL7A1 gene. It is expected to result in an absent or disrupted protein product. Loss-of-function variants in COL7A1 are known to be pathogenic (PMID: 16971478).

Mendelics
Classification: Pathogenic for Transient bullous dermolysis of the newborn. Last evaluated: 2022-05-04. Review status: criteria provided, single submitter. Criteria: Mendelics Assertion Criteria 2019. Collection method: clinical testing. Allele origin: germline.

Center for Research in Genodermatoses and Epidermolysis Bullosa, University of Buenos Aires
Classification: Pathogenic for Recessive dystrophic epidermolysis bullosa. Last evaluated: 2022-03-14. Review status: criteria provided, single submitter. Criteria: ACMG Guidelines, 2015. Collection method: clinical testing. Allele origin: germline. Affected: yes. Observed: 22 variant alleles, 15 compound heterozygotes, 7 homozygotes.

Laboratorio de Genetica e Diagnostico Molecular, Hospital Israelita Albert Einstein
Classification: Pathogenic for Generalized dominant dystrophic epidermolysis bullosa; Recessive dystrophic epidermolysis bullosa. Last evaluated: 2021-10-26. Review status: criteria provided, single submitter. Criteria: ACMG Guidelines, 2015. Collection method: clinical testing. Allele origin: germline. Affected: yes.
Comment: ACMG classification criteria: PVS1 very strong, PM2 moderate, PP4 supporting

Biomedical Innovation Departament, CIEMAT
Classification: Pathogenic for Dystrophic epidermolysis bullosa. Last evaluated: 2019-11-18. Review status: criteria provided, single submitter. Criteria: ACMG Guidelines, 2015. Collection method: research. Allele origin: germline. Affected: yes. Observed: 6 variant alleles.

Literature cited by the submitters: PubMed 38378365 (cited by Natera, Inc.); PubMed 9326325 (cited by 5 submitters); PubMed 22209565 (cited by Labcorp Genetics (formerly Invitae), Labcorp); PubMed 31001817 (cited by Labcorp Genetics (formerly Invitae), Labcorp); PubMed 35979658 (cited by Labcorp Genetics (formerly Invitae), Labcorp and Center for Research in Genodermatoses and Epidermolysis Bullosa, University of Buenos Aires); PubMed 16971478 (cited by Labcorp Genetics (formerly Invitae), Labcorp).